The following is an entry in ClinVar:

NM_001355436.2(SPTB):c.5408del (p.Phe1803fs)

Gene: SPTB (spectrin beta, erythrocytic; minus strand). Cytogenetic location: 14q23.3.
Variant type: Deletion.
Coding change: c.5408del on transcript NM_001355436.2 (MANE Select); coding-DNA position 5408, one base deleted (T; older notation c.5408delT).
Protein change: p.Phe1803fs; shifts the reading frame from phenylalanine 1803.
Molecular consequence: frameshift variant.
Genome position (GRCh38, 1-based): chr14:64,772,725, A deleted on the plus strand (T on the coding strand, the reverse complement: SPTB is on the minus strand); the first of 2 consecutive A bases (chr14:64,772,725-64,772,726); deleting either gives the same sequence. VCF-style (leftmost placement, unchanged base first): chr14-64772724-GA-G. GRCh37 (hg19) VCF-style: chr14-65239442-GA-G.
Other names: c.5408del, p.Phe1803fs (NM_001024858.4, NM_001355437.2); short protein forms F1803fs.
Identifiers: ClinVar variation 3362379 (VCV003362379.3).

ClinVar aggregate classification (germline): Likely pathogenic (1 of 4 stars; one submission).

Conditions:
Hereditary spherocytosis type 2. Also called: SPHEROCYTOSIS, TYPE 2, AUTOSOMAL DOMINANT. Identifiers: Orphanet 822, MedGen C2674219, MONDO:0000913, OMIM 616649.

Submission:

Neuberg Centre For Genomic Medicine, NCGM
Classification: Likely pathogenic for Hereditary spherocytosis type 2. Last evaluated: 2023-05-20. Review status: criteria provided, single submitter. Criteria: ACMG Guidelines, 2015. Collection method: clinical testing. Allele origin: germline. Inheritance: Autosomal dominant inheritance. Affected: yes.
Comment: The observed frameshift variant c.5408del(p.Phe1803SerfsTer97) in SPTB gene has not been reported previously as a pathogenic variant nor as a benign variant, to our knowledge. The c.5408del variant is absent in gnomAD Exomes.This variant causes a frameshift starting with codon Phenylalanine 1803, changes this amino acid to Serine residue, and creates a premature Stop codon at position 97 of the new reading frame, denoted p.Phe1803SerfsTer97. This variant is predicted to cause loss of normal protein function through protein truncation. Loss of function variants have been previously reported to be disease causing (Agarwal AM, et al., 2016). For these reasons, this variant has been classified as Likely Pathogenic.